The following is an entry in ClinVar:

ClinVar aggregate classification (germline): Pathogenic. Review status: criteria provided, single submitter (1 of 4 stars). 2 submissions from 1 submitter: Pathogenic (1). Last evaluated 2022-01-17.

Submission:

GeneDx
Classification: Pathogenic. Last evaluated: 2022-01-17. Review status: criteria provided, single submitter. Criteria: GeneDx Variant Classification Process June 2021. Collection method: clinical testing. Allele origin: germline. Affected: yes.
Comment: Not observed in large population cohorts (gnomAD); Has not been previously published as pathogenic or benign to our knowledge; Frameshift variant predicted to result in protein truncation, as the last 236 amino acids are replaced with 31 different amino acids, and other loss-of-function variants have been reported downstream in HGMD

NM_032108.4(SEMA6B):c.1958del (p.Arg653fs)

Gene: SEMA6B (semaphorin 6B; minus strand). Cytogenetic location: 19p13.3.
Variant type: Deletion.
Coding change: c.1958del on transcript NM_032108.4 (MANE Select); coding-DNA position 1958, one base deleted (G; older notation c.1958delG).
Protein change: p.Arg653fs; shifts the reading frame from arginine 653.
Molecular consequence: frameshift variant.
Genome position (GRCh38, 1-based): chr19:4,544,310, C deleted on the plus strand (G on the coding strand, the reverse complement: SEMA6B is on the minus strand). VCF-style (leftmost placement, unchanged base first): chr19-4544309-GC-G. GRCh37 (hg19) VCF-style: chr19-4544321-GC-G.
Other names: short protein forms R653fs.
Identifiers: ClinVar variation 1321016 (VCV001321016.3), dbSNP rs2145342677, ClinGen allele CA2573054787.
Genomic context (GRCh38, chr19:4,544,309, plus strand): 5'-GGCGCCACCGCCACCGCCTCCGCCCCGGCCCCCGGGACCCTGCGCCCTGCGCTCGCCCAG[GC>G]GGCTGACGCTCAGCACCGCCTCGCCCGCCCCGTGCGCCAGGATGGCCTCCTTGTCCTTGC-3'